The following is an entry in ClinVar:

ClinVar aggregate classification (germline): Uncertain significance (1 of 4 stars; one submission).

Conditions:
Hereditary nonpolyposis colorectal neoplasms. Identifiers: MedGen C0009405, MeSH D003123.

Submission:

Labcorp Genetics (formerly Invitae), Labcorp
Classification: Uncertain significance for Hereditary nonpolyposis colorectal neoplasms. Last evaluated: 2019-06-26. Review status: criteria provided, single submitter. Criteria: Invitae Variant Classification Sherloc (09022015). Collection method: clinical testing. Allele origin: germline.
Comment: In summary, the available evidence is currently insufficient to determine the role of this variant in disease. Therefore, it has been classified as a Variant of Uncertain Significance. Algorithms developed to predict the effect of missense changes on protein structure and function are either unavailable or do not agree on the potential impact of this missense change (SIFT: "Deleterious"; PolyPhen-2: "Not Available"; Align-GVGD: "Class C0"). This variant has not been reported in the literature in individuals with MSH6-related conditions. This variant is not present in population databases (ExAC no frequency). This sequence change replaces proline with threonine at codon 15 of the MSH6 protein (p.Pro15Thr). The proline residue is highly conserved and there is a small physicochemical difference between proline and threonine.

NM_000179.3(MSH6):c.42_43delinsAA (p.Pro15Thr)

Gene: MSH6 (mutS homolog 6; plus strand). Cytogenetic location: 2p16.3.
Variant type: Indel.
Coding change: c.42_43delinsAA on transcript NM_000179.3 (MANE Select); coding-DNA positions 42 to 43, TC replaced by AA.
Protein change: p.Pro15Thr; replaces proline 15 with threonine.
Molecular consequence: missense variant. On other transcripts: 5 prime UTR variant (1).
Genome position (GRCh38, 1-based): chr2:47,783,275-47,783,276, TC replaced by AA. VCF-style: chr2-47783275-TC-AA. GRCh37 (hg19) VCF-style: chr2-48010414-TC-AA.
Other names: c.42_43delinsAA, p.Pro15Thr (NM_001281492.2); c.-695_-694delinsAA (NM_001281493.2); short protein forms P15T.
Identifiers: ClinVar variation 941121 (VCV000941121.8), dbSNP rs1668112441, ClinGen allele CA1139655573.